The following is an entry in ClinVar:

ClinVar aggregate classification (germline): Uncertain significance (1 of 4 stars; one submission).

Conditions:
Fanconi anemia (FA). Also called: Fanconi's anemia. Identifiers: Orphanet 84, MedGen C0015625, MeSH D005199, MONDO:0019391.

Submission:

Labcorp Genetics (formerly Invitae), Labcorp
Classification: Uncertain significance for Fanconi anemia. Last evaluated: 2022-03-08. Review status: criteria provided, single submitter. Criteria: Invitae Variant Classification Sherloc (09022015). Collection method: clinical testing. Allele origin: germline.
Comment: This variant is not present in population databases (gnomAD no frequency). This sequence change replaces leucine, which is neutral and non-polar, with tryptophan, which is neutral and slightly polar, at codon 749 of the FANCD2 protein (p.Leu749Trp). This variant has not been reported in the literature in individuals affected with FANCD2-related conditions. ClinVar contains an entry for this variant (Variation ID: 648834). Algorithms developed to predict the effect of missense changes on protein structure and function are either unavailable or do not agree on the potential impact of this missense change (SIFT: "Deleterious"; PolyPhen-2: "Probably Damaging"; Align-GVGD: "Class C0"). In summary, the available evidence is currently insufficient to determine the role of this variant in disease. Therefore, it has been classified as a Variant of Uncertain Significance.

NM_001018115.3(FANCD2):c.2246T>G (p.Leu749Trp)

Genes: FANCD2 (FA complementation group D2; plus strand), LOC107303338 (3p25 FANCD2 Alu-mediated recombination region; plus strand). Cytogenetic location: 3p25.3.
Variant type: single nucleotide variant.
Coding change: c.2246T>G on transcript NM_001018115.3 (MANE Select); coding-DNA position 2246, T replaced by G.
Protein change: p.Leu749Trp; replaces leucine 749 with tryptophan.
Molecular consequence: missense variant.
Genome position (GRCh38, 1-based): chr3:10,065,471, T>G. VCF-style: chr3-10065471-T-G. GRCh37 (hg19) VCF-style: chr3-10107155-T-G.
Other names: c.2246T>G, p.Leu749Trp (NM_001319984.2, NM_001374254.1, NM_033084.6); c.2135T>G, p.Leu712Trp (NM_001374253.1); short protein forms L749W, L712W.
Identifiers: ClinVar variation 648834 (VCV000648834.10), dbSNP rs1426222284, ClinGen allele CA351734864.